The following is an entry in ClinVar:

NM_001386795.1(DTNA):c.877-169G>T

Gene: DTNA (dystrobrevin alpha; plus strand). Cytogenetic location: 18q12.1.
Variant type: single nucleotide variant.
Coding change: c.877-169G>T on transcript NM_001386795.1 (MANE Select); 169 bases into the intron before coding-DNA position 877, G replaced by T.
Molecular consequence: intron variant.
Genome position (GRCh38, 1-based): chr18:34,820,622, G>T. VCF-style: chr18-34820622-G-T. GRCh37 (hg19) VCF-style: chr18-32400586-G-T.
Other names: c.877-169G>T (NM_032975.4, NM_001386761.1, NM_001386762.1 and 34 more transcripts); c.603+8509G>T (NM_001198945.2); c.127-169G>T (NM_001198943.1); c.-78-169G>T (NM_001198942.1, NM_001198944.1, NM_032980.4 and 1 more transcripts).
Identifiers: ClinVar variation 672620 (VCV000672620.1), dbSNP rs1790540, ClinGen allele CA14585470.

ClinVar aggregate classification (germline): Benign (1 of 4 stars; one submission).

Allele frequency attached by ClinVar (database versions not stated): 1000 Genomes Project 0.11462; 1000 Genomes Project 30x 0.12039; TOPMed 0.13735; gnomAD 0.14158 and 0.14597.
gnomAD v4.1: 21,441 of 152,222 alleles (14%); highest among the groups gnomAD compares: African/African-American, 23%; 1,766 homozygotes.

Submission:

GeneDx
Classification: Benign. Last evaluated: 2018-06-16. Review status: criteria provided, single submitter. Criteria: GeneDx Variant Classification (06012015). Collection method: clinical testing. Allele origin: germline. Affected: yes.
Comment: This variant is considered likely benign or benign based on one or more of the following criteria: it is a conservative change, it occurs at a poorly conserved position in the protein, it is predicted to be benign by multiple in silico algorithms, and/or has population frequency not consistent with disease.